The following is an entry in ClinVar:

NM_001130438.3(SPTAN1):c.3816A>G (p.Gln1272=)

Gene: SPTAN1 (spectrin alpha, non-erythrocytic 1; plus strand). Cytogenetic location: 9q34.11.
Variant type: single nucleotide variant.
Coding change: c.3816A>G on transcript NM_001130438.3 (MANE Select); coding-DNA position 3816, A replaced by G.
Protein change: p.Gln1272=; no amino-acid change (glutamine 1272 retained).
Molecular consequence: synonymous variant.
Genome position (GRCh38, 1-based): chr9:128,605,130, A>G. VCF-style: chr9-128605130-A-G. GRCh37 (hg19) VCF-style: chr9-131367409-A-G.
Other names: c.3756A>G, p.Gln1252= (NM_001195532.2, NM_001363765.2); c.3816A>G, p.Gln1272= (NM_001363759.2, NM_003127.4).
Identifiers: ClinVar variation 384391 (VCV000384391.8), dbSNP rs745997127, ClinGen allele CA5265047.

ClinVar aggregate classification (germline): Likely benign. Review status: criteria provided, multiple submitters, no conflicts (2 of 4 stars). 4 submissions from 4 submitters: Likely benign (4). Last evaluated 2025-02-16.

Conditions:
Early-infantile DEE. Also called: Ohtahara syndrome; Early infantile epileptic encephalopathy with suppression bursts; Early infantile epileptic encephalopathy. Identifiers: Orphanet 1934, MedGen C0393706, MONDO:0800491.
Inborn genetic diseases. Identifiers: MedGen C0950123, MeSH D030342.

Allele frequency attached by ClinVar (database versions not stated): TOPMed below 0.00001; gnomAD 0.00001; gnomAD exomes 0.00002 and 0.00003; ExAC 0.00003.
gnomAD v4.1: 30 of 1,613,862 alleles (0.0019%); highest among the groups gnomAD compares: Non-Finnish European, 0.0025%; no homozygotes.

Submissions (4):

Laboratory of Genetics, Children's Clinical University Hospital Latvia
Classification: Likely benign. Last evaluated: 2025-02-16. Review status: criteria provided, single submitter. Criteria: ACMG Guidelines, 2015. Collection method: clinical testing. Allele origin: germline. Affected: yes.

Labcorp Genetics (formerly Invitae), Labcorp
Classification: Likely benign for Early-infantile DEE. Last evaluated: 2025-01-11. Review status: criteria provided, single submitter. Criteria: Invitae Variant Classification Sherloc (09022015). Collection method: clinical testing. Allele origin: germline.

Ambry Genetics
Classification: Likely benign for Inborn genetic diseases. Last evaluated: 2017-09-06. Review status: criteria provided, single submitter. Criteria: Ambry Variant Classification Scheme 2023. Collection method: clinical testing. Allele origin: germline.

GeneDx
Classification: Likely benign. Last evaluated: 2016-03-09. Review status: criteria provided, single submitter. Criteria: GeneDx Variant Classification (06012015). Collection method: clinical testing. Allele origin: germline. Affected: yes.
Comment: This variant is considered likely benign or benign based on one or more of the following criteria: it is a conservative change, it occurs at a poorly conserved position in the protein, it is predicted to be benign by multiple in silico algorithms, and/or has population frequency not consistent with disease.